The following is an entry in ClinVar:

ClinVar aggregate classification (germline): Benign (1 of 4 stars; one submission).

Allele frequency attached by ClinVar (database versions not stated): gnomAD 0.04213 and 0.04541; 1000 Genomes Project 0.04233; 1000 Genomes Project 30x 0.04606; TOPMed 0.04823.
gnomAD v4.1: 6,333 of 151,980 alleles (4.2%); highest among the groups gnomAD compares: African/African-American, 14%; 458 homozygotes.

Submission:

GeneDx
Classification: Benign. Last evaluated: 2018-06-19. Review status: criteria provided, single submitter. Criteria: GeneDx Variant Classification (06012015). Collection method: clinical testing. Allele origin: germline. Affected: yes.
Comment: This variant is considered likely benign or benign based on one or more of the following criteria: it is a conservative change, it occurs at a poorly conserved position in the protein, it is predicted to be benign by multiple in silico algorithms, and/or has population frequency not consistent with disease.

NM_004408.4(DNM1):c.1335+1493C>T

Gene: DNM1 (dynamin 1; plus strand). Cytogenetic location: 9q34.11.
Variant type: single nucleotide variant.
Coding change: c.1335+1493C>T on transcript NM_004408.4 (MANE Select); 1493 bases into the intron after coding-DNA position 1335, C replaced by T.
Molecular consequence: intron variant.
Genome position (GRCh38, 1-based): chr9:128,225,882, C>T. VCF-style: chr9-128225882-C-T. GRCh37 (hg19) VCF-style: chr9-130988161-C-T.
Other names: c.1335+1493C>T (NM_001005336.3); c.1197-153C>T (NM_001288738.2, NM_001288737.2, NM_001288739.2).
Identifiers: ClinVar variation 677444 (VCV000677444.1), dbSNP rs7024409, ClinGen allele CA200351737.